The following is an entry in ClinVar:

NM_020738.4(KIDINS220):c.3012-3dup

Gene: KIDINS220 (kinase D interacting substrate 220; minus strand). Cytogenetic location: 2p25.1.
Variant type: Duplication.
Coding change: c.3012-3dup on transcript NM_020738.4 (MANE Select); 3 bases into the intron before coding-DNA position 3012, one base duplicated (A; older notation c.3012-3dupA).
Molecular consequence: splice acceptor variant.
Genome position (GRCh38, 1-based): chr2:8,751,646, T duplicated on the plus strand (A on the coding strand, the reverse complement: KIDINS220 is on the minus strand); the first of 2 consecutive T bases (chr2:8,751,646-8,751,647); duplicating either gives the same sequence. VCF-style (leftmost placement, unchanged base first): chr2-8751645-C-CT. GRCh37 (hg19) VCF-style: chr2-8891775-C-CT.
Other names: c.3012-3dup (NM_001348741.2, NM_001348738.2, NM_001348742.2 and 3 more transcripts); c.3015-3dup (NM_001348739.2, NM_001348740.2, NM_001348734.2 and 2 more transcripts); c.2886-3dup (NM_001348736.2); c.3012-2dupA (NM_020738.2).
Identifiers: ClinVar variation 1157148 (VCV001157148.12), dbSNP rs771515359, ClinGen allele CA1519787.

ClinVar aggregate classification (germline): Likely benign. Review status: criteria provided, multiple submitters, no conflicts (2 of 4 stars). 3 submissions from 3 submitters: Likely benign (2). 1 of the submissions does not count toward it. Last evaluated 2025-11-04.

Conditions:
KIDINS220-related disorder. Also called: KIDINS220-related condition.
Inborn genetic diseases. Identifiers: MedGen C0950123, MeSH D030342.

Submissions (3):

Labcorp Genetics (formerly Invitae), Labcorp
Classification: Likely benign. Last evaluated: 2025-11-04. Review status: criteria provided, single submitter. Criteria: Invitae Variant Classification Sherloc (09022015). Collection method: clinical testing. Allele origin: germline.

Ambry Genetics
Classification: Likely benign for Inborn genetic diseases. Last evaluated: 2022-01-31. Review status: criteria provided, single submitter. Criteria: Ambry Variant Classification Scheme 2023. Collection method: clinical testing. Allele origin: germline.

PreventionGenetics, part of Exact Sciences
Classification: Likely benign for KIDINS220-related condition. Last evaluated: 2023-11-02. Review status: no assertion criteria provided. Collection method: clinical testing. Allele origin: germline. Not counted in ClinVar's aggregate classification.
Comment: This variant is classified as likely benign based on ACMG/AMP sequence variant interpretation guidelines (Richards et al. 2015 PMID: 25741868, with internal and published modifications).